The following is an entry in ClinVar:

NM_001371986.1(UNC80):c.1007G>A (p.Arg336His)

Gene: UNC80 (unc-80 homolog, NALCN channel complex subunit; plus strand). Cytogenetic location: 2q34.
Variant type: single nucleotide variant.
Coding change: c.1007G>A on transcript NM_001371986.1 (MANE Select); coding-DNA position 1007, G replaced by A.
Protein change: p.Arg336His; replaces arginine 336 with histidine.
Molecular consequence: missense variant.
Genome position (GRCh38, 1-based): chr2:209,813,648, G>A. VCF-style: chr2-209813648-G-A. GRCh37 (hg19) VCF-style: chr2-210678372-G-A.
Other names: c.1007G>A, p.Arg336His (NM_032504.2, NM_182587.4); short protein forms R336H.
Identifiers: ClinVar variation 2184864 (VCV002184864.1), dbSNP rs1466391695, ClinGen allele CA350132955.
Genomic context (GRCh38, chr2:209,813,648, plus strand): 5'-TTGTGATACCTCCGTGCCAAAGGTCCCGCTATGCCACCTACTTTGACGTTGCTGTTCTGC[G>A]CTGCCTACTTCAGCCCCATTGGTCTGAGGAAGGCACTCAGTGGTCTCTGATGTACTATCT-3'
Protein context (NP_001358915.1, residues 326-346): YATYFDVAVL[Arg336His]CLLQPHWSEE

ClinVar aggregate classification (germline): Uncertain significance (1 of 4 stars; one submission).

Allele frequency attached by ClinVar (database versions not stated): gnomAD exomes 0.00001.
gnomAD v4.1: 7 of 1,551,706 alleles (0.00045%); highest among the groups gnomAD compares: South Asian, 0.0012%; no homozygotes.

Submission:

Labcorp Genetics (formerly Invitae), Labcorp
Classification: Uncertain significance. Last evaluated: 2022-02-15. Review status: criteria provided, single submitter. Criteria: Invitae Variant Classification Sherloc (09022015). Collection method: clinical testing. Allele origin: germline.
Comment: This sequence change replaces arginine, which is basic and polar, with histidine, which is basic and polar, at codon 336 of the UNC80 protein (p.Arg336His). This variant is present in population databases (no rsID available, gnomAD 0.002%). This variant has not been reported in the literature in individuals affected with UNC80-related conditions. Algorithms developed to predict the effect of missense changes on protein structure and function are either unavailable or do not agree on the potential impact of this missense change (SIFT: "Not Available"; PolyPhen-2: "Probably Damaging"; Align-GVGD: "Not Available"). In summary, the available evidence is currently insufficient to determine the role of this variant in disease. Therefore, it has been classified as a Variant of Uncertain Significance.